The following is an entry in ClinVar:

NM_006940.6(SOX5):c.1070T>A (p.Leu357Gln)

Gene: SOX5 (SRY-box transcription factor 5; minus strand). Cytogenetic location: 12p12.1.
Variant type: single nucleotide variant.
Coding change: c.1070T>A on transcript NM_006940.6 (MANE Select); coding-DNA position 1070, T replaced by A.
Protein change: p.Leu357Gln; replaces leucine 357 with glutamine.
Molecular consequence: missense variant.
Genome position (GRCh38, 1-based): chr12:23,604,481, A>T on the plus strand (T>A on the coding strand, the complement: SOX5 is on the minus strand). VCF-style: chr12-23604481-A-T. GRCh37 (hg19) VCF-style: chr12-23757415-A-T.
Other names: c.1031T>A, p.Leu344Gln (NM_001261414.3, NM_152989.5); c.1040T>A, p.Leu347Gln (NM_001261415.3); c.965T>A, p.Leu322Gln (NM_001330785.2); short protein forms L322Q, L344Q, L347Q, L357Q.
Identifiers: ClinVar variation 5019646 (VCV005019646.2).

ClinVar aggregate classification (germline): Uncertain significance (1 of 4 stars; one submission).

Conditions:
Lamb-Shaffer syndrome. Identifiers: Orphanet 313884, Orphanet 313892, Orphanet 530983, MedGen C4225202, MONDO:0014778, OMIM 616803.

Submission:

Juno Genomics, Hangzhou Juno Genomics, Inc
Classification: Uncertain significance for Lamb-Shaffer syndrome. Review status: criteria provided, single submitter. Criteria: ACMG Guidelines, 2015. Collection method: clinical testing. Allele origin: germline.
Comment: Absent from controls (or at extremely low frequency if recessive) in Genome Aggregation Database.;Missense variant in a gene that has a low rate of benign missense variation.